The following is an entry in ClinVar:

ClinVar aggregate classification (germline): Uncertain significance. Review status: criteria provided, multiple submitters, no conflicts (2 of 4 stars). 3 submissions from 3 submitters: Uncertain significance (3). Last evaluated 2025-02-08.

Conditions:
Glycogen storage disease type III (GSD3). Also called: FORBES DISEASE; Cori disease. Identifiers: Orphanet 366, MedGen C0017922, MONDO:0009291, OMIM 232400.
Inborn genetic diseases. Identifiers: MedGen C0950123, MeSH D030342.

Allele frequency attached by ClinVar (database versions not stated): TOPMed 0.00001.

Submissions (3):

Ambry Genetics
Classification: Uncertain significance for Inborn genetic diseases. Last evaluated: 2025-02-08. Review status: criteria provided, single submitter. Criteria: Ambry Variant Classification Scheme 2023. Collection method: clinical testing. Allele origin: germline.

Genome-Nilou Lab
Classification: Uncertain significance for Glycogen storage disease type III. Last evaluated: 2023-04-11. Review status: criteria provided, single submitter. Criteria: ACMG Guidelines, 2015. Collection method: clinical testing. Allele origin: germline. Affected: no.

Labcorp Genetics (formerly Invitae), Labcorp
Classification: Uncertain significance for Glycogen storage disease type III. Last evaluated: 2021-08-27. Review status: criteria provided, single submitter. Criteria: Invitae Variant Classification Sherloc (09022015). Collection method: clinical testing. Allele origin: germline.
Comment: This sequence change replaces methionine with isoleucine at codon 1182 of the AGL protein (p.Met1182Ile). The methionine residue is moderately conserved and there is a small physicochemical difference between methionine and isoleucine. This variant is not present in population databases (ExAC no frequency). This variant has not been reported in the literature in individuals affected with AGL-related conditions. Algorithms developed to predict the effect of missense changes on protein structure and function (SIFT, PolyPhen-2, Align-GVGD) all suggest that this variant is likely to be tolerated. In summary, the available evidence is currently insufficient to determine the role of this variant in disease. Therefore, it has been classified as a Variant of Uncertain Significance.

NM_000642.3(AGL):c.3546G>A (p.Met1182Ile)

Gene: AGL (amylo-alpha-1,6-glucosidase and 4-alpha-glucanotransferase; plus strand). Cytogenetic location: 1p21.2.
Variant type: single nucleotide variant.
Coding change: c.3546G>A on transcript NM_000642.3 (MANE Select); coding-DNA position 3546, G replaced by A.
Protein change: p.Met1182Ile; replaces methionine 1182 with isoleucine.
Molecular consequence: missense variant.
Genome position (GRCh38, 1-based): chr1:99,900,819, G>A. VCF-style: chr1-99900819-G-A. GRCh37 (hg19) VCF-style: chr1-100366375-G-A.
Other names: c.3546G>A, p.Met1182Ile (NM_000028.3, NM_000643.3, NM_000644.3 and 1 more transcripts); c.3498G>A, p.Met1166Ile (NM_000646.3); c.3525G>A, p.Met1175Ile (NM_001425326.1); c.3345G>A, p.Met1115Ile (NM_001425327.1); c.3342G>A, p.Met1114Ile (NM_001425328.1); c.3207G>A, p.Met1069Ile (NM_001425329.1); c.3168G>A, p.Met1056Ile (NM_001425332.1); short protein forms M1182I, M1166I, M1056I, M1069I, M1114I, M1115I, M1175I.
Identifiers: ClinVar variation 456490 (VCV000456490.8), dbSNP rs758562610, ClinGen allele CA341332526.